The following is an entry in ClinVar:

ClinVar aggregate classification (germline): Likely benign (1 of 4 stars; one submission).

Conditions:
Juvenile polyposis/hereditary hemorrhagic telangiectasia syndrome (JPHT). Also called: JP/HHT SYNDROME; JUVENILE POLYPOSIS WITH HEREDITARY HEMORRHAGIC TELANGIECTASIA; POLYPOSIS, GENERALIZED JUVENILE, WITH PULMONARY ARTERIOVENOUS MALFORMATION; TELANGIECTASIA, HEREDITARY HEMORRHAGIC, WITH JUVENILE POLYPOSIS COLI; Juvenile Polyposis Syndrome / Hereditary Hemorrhagic Telangiectasia (JPS/HHT). Identifiers: Orphanet 2929, MedGen C1832942, MONDO:0008278, OMIM 175050.

Submission:

Myriad Genetics, Inc.
Classification: Likely benign for Juvenile polyposis/hereditary hemorrhagic telangiectasia syndrome. Last evaluated: 2025-03-19. Review status: criteria provided, single submitter. Criteria: Myriad Autosomal Dominant, Autosomal Recessive and X-Linked Classification Criteria (2023). Collection method: clinical testing. Allele origin: unknown.
Comment: This variant is considered likely benign. This variant is intronic and is not expected to impact mRNA splicing.

NM_005359.6(SMAD4):c.424+8G>A

Gene: SMAD4 (SMAD family member 4; plus strand). Cytogenetic location: 18q21.2.
Variant type: single nucleotide variant.
Coding change: c.424+8G>A on transcript NM_005359.6 (MANE Select); 8 bases into the intron after coding-DNA position 424, G replaced by A.
Molecular consequence: intron variant.
Genome position (GRCh38, 1-based): chr18:51,048,868, G>A. VCF-style: chr18-51048868-G-A. GRCh37 (hg19) VCF-style: chr18-48575238-G-A.
Other names: c.424+8G>A (NM_001407042.1, NM_001407041.1, NM_001407043.1).
Identifiers: ClinVar variation 3903483 (VCV003903483.1).